The following is an entry in ClinVar:

ClinVar aggregate classification (germline): Uncertain significance. Review status: criteria provided, multiple submitters, no conflicts (2 of 4 stars). 3 submissions from 3 submitters: Uncertain significance (3). Last evaluated 2024-10-25.

Conditions:
Neuronal ceroid lipofuscinosis. Also called: Neuronal Ceroid Lipofuscinoses. Identifiers: Orphanet 216, Orphanet 79263, MedGen C0027877, MONDO:0016295. Disease mechanism: loss of function.
Neuronal ceroid lipofuscinosis 10 (CLN10). Also called: NEURONAL CEROID LIPOFUSCINOSIS DUE TO CATHEPSIN D DEFICIENCY; CTSD-Related Neuronal Ceroid-Lipofuscinosis. Identifiers: Orphanet 228337, MedGen C1864669, MONDO:0012414, OMIM 610127.

Allele frequency attached by ClinVar (database versions not stated): gnomAD exomes 0.00001; ExAC 0.00002; gnomAD 0.00003; TOPMed 0.00003; ESP Exome Variant Server 0.00008.
gnomAD v4.1: 15 of 1,613,738 alleles (0.00093%); highest among the groups gnomAD compares: Non-Finnish European, 0.0013%; no homozygotes.

Submissions (3):

Labcorp Genetics (formerly Invitae), Labcorp
Classification: Uncertain significance for Neuronal ceroid lipofuscinosis. Last evaluated: 2024-10-25. Review status: criteria provided, single submitter. Criteria: Invitae Variant Classification Sherloc (09022015). Collection method: clinical testing. Allele origin: germline.
Comment: This sequence change replaces histidine, which is basic and polar, with tyrosine, which is neutral and polar, at codon 273 of the CTSD protein (p.His273Tyr). This variant is present in population databases (rs145905196, gnomAD 0.006%). This variant has not been reported in the literature in individuals affected with CTSD-related conditions. ClinVar contains an entry for this variant (Variation ID: 392231). Invitae Evidence Modeling of protein sequence and biophysical properties (such as structural, functional, and spatial information, amino acid conservation, physicochemical variation, residue mobility, and thermodynamic stability) indicates that this missense variant is not expected to disrupt CTSD protein function with a negative predictive value of 80%. In summary, the available evidence is currently insufficient to determine the role of this variant in disease. Therefore, it has been classified as a Variant of Uncertain Significance.

GeneDx
Classification: Uncertain significance. Last evaluated: 2024-07-11. Review status: criteria provided, single submitter. Criteria: GeneDx Variant Classification Process June 2021. Collection method: clinical testing. Allele origin: germline. Affected: yes.
Comment: Not observed at significant frequency in large population cohorts (gnomAD); In silico analysis supports that this missense variant has a deleterious effect on protein structure/function; Has not been previously published as pathogenic or benign to our knowledge

Baylor Genetics
Classification: Uncertain significance for Neuronal ceroid lipofuscinosis 10. Last evaluated: 2018-04-11. Review status: criteria provided, single submitter. Criteria: ACMG Guidelines, 2015. Collection method: clinical testing. Allele origin: unknown. Affected: yes.
Comment: This variant was determined to be of uncertain significance according to ACMG Guidelines, 2015 [PMID:25741868].

NM_001909.5(CTSD):c.817C>T (p.His273Tyr)

Gene: CTSD (cathepsin D; minus strand). Cytogenetic location: 11p15.5.
Variant type: single nucleotide variant.
Coding change: c.817C>T on transcript NM_001909.5 (MANE Select); coding-DNA position 817, C replaced by T.
Protein change: p.His273Tyr; replaces histidine 273 with tyrosine.
Molecular consequence: missense variant.
Genome position (GRCh38, 1-based): chr11:1,754,916, G>A on the plus strand (C>T on the coding strand, the complement: CTSD is on the minus strand). VCF-style: chr11-1754916-G-A. GRCh37 (hg19) VCF-style: chr11-1776146-G-A.
Other names: short protein forms H273Y.
Identifiers: ClinVar variation 392231 (VCV000392231.13), dbSNP rs145905196, ClinGen allele CA5814062.